The following is an entry in ClinVar:

ClinVar aggregate classification (germline): Pathogenic. Review status: reviewed by expert panel (3 of 4 stars). 24 submissions from 24 submitters: Pathogenic (1). 23 of the submissions do not count toward it. Last evaluated 2018-10-09.

Conditions:
Rare genetic deafness. Identifiers: Orphanet 96210, MedGen C5680250.
Usher syndrome. Also called: Usher's syndrome; Usher Syndromes. Identifiers: Orphanet 886, MedGen CN469326, MeSH D052245, MONDO:0019501. Disease mechanism: loss of function.
USH2A-related disorder. Also called: USH2A-related disorders; USH2A-related condition. Identifiers: MedGen CN239332.
Retinal dystrophy. Also called: Inherited retinal dystrophy. Identifiers: Orphanet 71862, MedGen C0854723, MeSH D058499, MONDO:0019118, HP:0000556.
Usher syndrome type 2A. Also called: RETINAL DISEASE IN USHER SYNDROME TYPE IIA, MODIFIER OF; USHER SYNDROME, TYPE IIA. Identifiers: Orphanet 231178, Orphanet 886, MedGen C1848634, MONDO:0010169, OMIM 276901.
Retinitis pigmentosa 39 (RP39). Identifiers: Orphanet 791, MedGen C3151138, MONDO:0013436, OMIM 613809.
Retinitis pigmentosa (RP). Identifiers: Orphanet 791, MedGen C0035334, MeSH D012174, MONDO:0019200, OMIM 268000. Inheritance: Autosomal dominant, autosomal recessive and X linked inheritance.

Allele frequency attached by ClinVar (database versions not stated): gnomAD 0.00001; gnomAD exomes 0.00001 and 0.00003; ExAC 0.00002; TOPMed 0.00003; 1000 Genomes Project 30x 0.00016; 1000 Genomes Project 0.00020.
gnomAD v4.1: 16 of 1,613,600 alleles (0.00099%); highest among the groups gnomAD compares: East Asian, 0.033%; no homozygotes.

Submissions 1 to 9 of 24:

ClinGen Hearing Loss Variant Curation Expert Panel
Classification: Pathogenic for Usher syndrome. Last evaluated: 2018-10-09. Review status: reviewed by expert panel. Criteria: ClinGen HL ACMG Specifications v1. Collection method: curation. Allele origin: germline. Inheritance: Autosomal recessive inheritance.
Comment: The c.8559-2A>G has been detected in >4 patients with Usher syndrome who were compound heterozygous for the this variant in trans with a truncating variant (PM3_VS; PMID: 25356976, 19737284, 26338283, 19023448). Segregation data was also available for two reported families with Usher syndrome. In one family, the variant was identified in trans with a frameshift variant in two affected siblings, and four unaffected siblings were either heterozygous for a single variant or wild-type for both variants. In the second family, an unaffected sibling was heterozygous for a single variant (PP1_Strong, PMID: 19023448). RT-PCR analysis of cells from a patient carrying the variant revealed that the variant causes skipping of exon 43, resulting in a 41 amino acid deletion of the USH2A protein (PM4, PMID: 20596040) The allele frequency of the c.8559-2A>G variant in the USH2A gene is 0.046% (8/17232) of East Asian chromosomes by the Genome Aggregation Database, which is a low enough frequency to award PM2_supporting based on the thresholds defined by the ClinGen Hearing Loss Expert Panel for autosomal recessive hearing loss and Usher syndrome (PM2_Supporting). Several patients reported to harbor this variant displayed clinical features of Usher syndrome (PP4; PMID: 25356976, 19737284, 26338283, 19023448). In summary, this variant meets criteria to be classified as pathogenic for autosomal recessive Usher syndrome based on the ACMG/AMP criteria applied, as specified by the Hearing Loss Expert Panel: PM4, PM3_VS, PP1_S, PP4, PM2_P.

Medical and Scientific Branch, Hong Kong Genome Institute
Classification: Pathogenic for Retinitis pigmentosa 39. Last evaluated: 2026-01-26. Review status: criteria provided, single submitter. Criteria: ACMG Guidelines, 2015. Collection method: clinical testing. Allele origin: unknown. Affected: yes. Not counted in ClinVar's aggregate classification.

Labcorp Genetics (formerly Invitae), Labcorp
Classification: Pathogenic. Last evaluated: 2026-01-13. Review status: criteria provided, single submitter. Criteria: Invitae Variant Classification Sherloc (09022015). Collection method: clinical testing. Allele origin: germline. Not counted in ClinVar's aggregate classification.
Comment: This sequence change affects an acceptor splice site in intron 42 of the USH2A gene. It is expected to disrupt RNA splicing. Variants that disrupt the donor or acceptor splice site typically lead to a loss of protein function (PMID: 16199547), and loss-of-function variants in USH2A are known to be pathogenic (PMID: 10729113, 10909849, 20507924, 25649381). This variant is present in population databases (rs397518039, gnomAD 0.05%). Disruption of this splice site has been observed in individuals with Usher syndrome (PMID: 19023448, 19737284). It has also been observed to segregate with disease in related individuals. ClinVar contains an entry for this variant (Variation ID: 48604). Algorithms developed to predict the effect of sequence changes on RNA splicing suggest that this variant may disrupt the consensus splice site. For these reasons, this variant has been classified as Pathogenic.

Victorian Clinical Genetics Services, Murdoch Childrens Research Institute
Classification: Pathogenic for Usher syndrome type 2A. Last evaluated: 2025-10-23. Review status: criteria provided, single submitter. Criteria: ACMG Guidelines, 2015. Collection method: clinical testing. Allele origin: germline. Not counted in ClinVar's aggregate classification.
Comment: This variant is classified as Pathogenic. Evidence in support of pathogenic classification: Splice site variant proven to affect splicing of the transcript with a known effect on protein sequence. RT-PCR analysis of patient cells revealed that this variant causes skipping of exon 43, resulting in an in frame deletion of 41 amino acids of the USH2A protein (PMID: 20596040); Variant is present in gnomAD <0.01 for a recessive condition (v4: 16 heterozygote(s), 0 homozygote(s)); This variant has strong previous evidence of pathogenicity in unrelated individuals. This variant has been classified as pathogenic for Usher syndrome by the ClinGen Hearing Loss Variant Curation Expert Panel (ClinVar). Additional information: This variant is heterozygous; This gene is associated with autosomal recessive disease; Loss of function is a known mechanism of disease in this gene and is associated with Usher syndrome, type 2A (MIM#276901) and retinitis pigmentosa (RP; MIM#6138093). Null variants are associated with Usher syndrome, while homozygous missense variants which lead to partially functional proteins typically cause non-syndromic RP (PMID: 20301515).

Natera, Inc.
Classification: Pathogenic for Usher syndrome type 2A. Last evaluated: 2025-09-15. Review status: criteria provided, single submitter. Criteria: Natera Variant Classification Schema (03/2026). Collection method: clinical testing. Allele origin: germline. Not counted in ClinVar's aggregate classification.
Comment: The c.8559-2A>G variant in USH2A is a canonical splice acceptor site variant predicted to affect pre-mRNA splicing, which may result in an abnormal transcript and altered protein product. This variant may result in a truncated or dysfunctional protein product. This variant is rare in the general population with a frequency below the threshold expected for the associated phenotype(s). This variant has been observed in one or more individuals affected with the associated recessive disease, as either homozygous or compound heterozygous with a second variant (PMID: 32188678). Given the available evidence, this variant is classified as Pathogenic.

PreventionGenetics, part of Exact Sciences
Classification: Pathogenic for USH2A-related condition. Last evaluated: 2025-05-23. Review status: criteria provided, single submitter. Criteria: ACMG Guidelines, 2015. Collection method: clinical testing. Allele origin: germline. Not counted in ClinVar's aggregate classification.
Comment: The USH2A c.8559-2A>G variant is predicted to disrupt the AG splice acceptor site and interfere with normal splicing. This variant has been reported as causative for autosomal recessive Usher syndrome (see for examples Dai et al. 2008. PubMed ID: 19023448; Nakanishi et al. 2009. PubMed ID: 19737284; Huang et al. 2014. PubMed ID: 25356976). This variant is reported in 0.044% of alleles in individuals of East Asian descent in gnomAD. This variant has been classified as pathogenic by the ClinGen Hearing Loss Variant Curation Expert Panel. Given all the evidence, we interpret c.8559-2A>G as pathogenic.

SingHealth Duke-NUS Institute of Precision Medicine
Classification: Pathogenic for Retinitis pigmentosa 39. Last evaluated: 2025-02-05. Review status: criteria provided, single submitter. Criteria: PRISM ACMG Classification Criteria. Collection method: clinical testing. Allele origin: germline. Affected: yes. Not counted in ClinVar's aggregate classification.
Comment: Variant is predicted to cause LOF through splicing in a gene where LOF is a known cause of pathogenicity (PVS1). Homozygous allele count in gnomAD genomes and exomes are less than 2 (PM2).

3billion
Classification: Pathogenic for Retinitis pigmentosa 39. Last evaluated: 2024-09-25. Review status: criteria provided, single submitter. Criteria: ACMG Guidelines, 2015. Collection method: clinical testing. Allele origin: germline. Affected: yes. Not counted in ClinVar's aggregate classification.
Comment: The variant is observed at an extremely low frequency in the gnomAD v4.0.0 dataset (total allele frequency: <0.001%). Predicted Consequence/Location: Canonical splice site: predicted to alter splicing and result in a loss or disruption of normal protein function. Multiple pathogenic loss-of-function variants are reported downstream of the variant. In silico tools predict the variant to alter splicing and produce an abnormal transcript [SpliceAI: 0.99 (spliceogenicity >=0.2, non-spliceogenicity <0.1)]. The variant has been reported multiple times as an established pathogenic variant (ClinVar ID: VCV000048604 /PMID: 19023448 /3billion dataset). Therefore, this variant is classified as Pathogenic according to the recommendation of ACMG/AMP guideline.

Dasa
Classification: Pathogenic. Last evaluated: 2024-07-11. Review status: criteria provided, single submitter. Criteria: DASA Assertion Criteria. Collection method: clinical testing. Allele origin: germline. Not counted in ClinVar's aggregate classification.
Comment: NM_206933.4(USH2A):c.8559-2A>G affects a canonical splice site and is predicted to disrupt normal RNA splicing, leading to loss of normal protein function. Loss-of-function is an established mechanism of disease for this gene. Based on the available data, this variant is classified as pathogenic.

NM_206933.4(USH2A):c.8559-2A>G

Gene: USH2A (usherin; minus strand). Cytogenetic location: 1q41.
Variant type: single nucleotide variant.
Coding change: c.8559-2A>G on transcript NM_206933.4 (MANE Select); the canonical splice acceptor site of the intron before coding-DNA position 8559, A replaced by G.
Molecular consequence: splice acceptor variant.
Genome position (GRCh38, 1-based): chr1:215,877,882, T>C on the plus strand (A>G on the coding strand, the complement: USH2A is on the minus strand). VCF-style: chr1-215877882-T-C. GRCh37 (hg19) VCF-style: chr1-216051224-T-C.
Identifiers: ClinVar variation 48604 (VCV000048604.50), dbSNP rs397518039, ClinGen allele CA262122.
Genomic context (GRCh38, chr1:215,877,882, plus strand): 5'-AATCTTCTGGGGGATTTGATGCAAGTGGCTGCTGGATTTTACGTCTCAGAAGCTCATATC[T>C]AAAGCAAAAGACAAGCAGGAACATCAGGATTATCTCAACTCATATTGAGATTACCAAAAC-3'